The following is an entry in ClinVar:

ClinVar aggregate classification (germline): Uncertain significance (1 of 4 stars; one submission).

Submission:

Labcorp Genetics (formerly Invitae), Labcorp
Classification: Uncertain significance. Last evaluated: 2022-06-14. Review status: criteria provided, single submitter. Criteria: Invitae Variant Classification Sherloc (09022015). Collection method: clinical testing. Allele origin: germline.
Comment: This variant has not been reported in the literature in individuals affected with SI-related conditions. This sequence change replaces methionine, which is neutral and non-polar, with valine, which is neutral and non-polar, at codon 1516 of the SI protein (p.Met1516Val). This variant is not present in population databases (gnomAD no frequency). Algorithms developed to predict the effect of missense changes on protein structure and function are either unavailable or do not agree on the potential impact of this missense change (SIFT: "Deleterious"; PolyPhen-2: "Possibly Damaging"; Align-GVGD: "Class C0"). In summary, the available evidence is currently insufficient to determine the role of this variant in disease. Therefore, it has been classified as a Variant of Uncertain Significance.

NM_001041.4(SI):c.4546A>G (p.Met1516Val)

Gene: SI (sucrase-isomaltase; minus strand). Cytogenetic location: 3q26.1.
Variant type: single nucleotide variant.
Coding change: c.4546A>G on transcript NM_001041.4 (MANE Select); coding-DNA position 4546, A replaced by G.
Protein change: p.Met1516Val; replaces methionine 1516 with valine.
Molecular consequence: missense variant.
Genome position (GRCh38, 1-based): chr3:164,996,767, T>C on the plus strand (A>G on the coding strand, the complement: SI is on the minus strand). VCF-style: chr3-164996767-T-C. GRCh37 (hg19) VCF-style: chr3-164714555-T-C.
Other names: short protein forms M1516V.
Identifiers: ClinVar variation 2006043 (VCV002006043.4), dbSNP rs2473213168, ClinGen allele CA355030072.